The following is an entry in ClinVar:

NM_000038.6(APC):c.422+2131G>T

Gene: APC (APC regulator of WNT signaling pathway; plus strand). Cytogenetic location: 5q22.2.
Variant type: single nucleotide variant.
Coding change: c.422+2131G>T on transcript NM_000038.6 (MANE Select); 2131 bases into the intron after coding-DNA position 422, G replaced by T.
Molecular consequence: intron variant.
Genome position (GRCh38, 1-based): chr5:112,769,521, G>T. VCF-style: chr5-112769521-G-T. GRCh37 (hg19) VCF-style: chr5-112105218-G-T.
Other names: c.422+2131G>T (NM_001354895.2, NM_001127510.3, NM_001354896.2 and 2 more transcripts); c.452+2131G>T (NM_001354897.2, NM_001354902.2, NM_001127511.3); c.347+2131G>T (NM_001354898.2, NM_001354904.2); c.-614+2131G>T (NM_001354906.2); c.245+2131G>T (NM_001354900.2, NM_001354901.2, NM_001354905.2).
Identifiers: ClinVar variation 82413 (VCV000082413.2), dbSNP rs62364016, ClinGen allele CA009056.

ClinVar aggregate classification (germline): other (0 of 4 stars; one submission).

Conditions:
Familial colorectal cancer. Identifiers: MedGen CN280943, MONDO:0023113. Disease mechanism: loss of function.

Allele frequency attached by ClinVar (database versions not stated): 1000 Genomes Project 0.42911.

Submission:

Systems Biology Platform Zhejiang California International NanoSystems Institute
Classification: other for Familial colorectal cancer. Review status: no assertion criteria provided. Collection method: not provided. Allele origin: unknown.
ClinVar note: Converted during submission from cancer to other.